The following is an entry in ClinVar:

ClinVar aggregate classification (germline): Uncertain significance. Review status: criteria provided, multiple submitters, no conflicts (2 of 4 stars). 2 submissions from 2 submitters: Uncertain significance (2). Last evaluated 2025-06-12.

Conditions:
Marfan syndrome (MFS). Also called: MARFAN SYNDROME, TYPE I; Marfan syndrome type 1; Marfan's syndrome; Marfan syndrome, classic; FBN1-Related Marfan Syndrome. Identifiers: Orphanet 284963, Orphanet 558, MedGen C0024796, MONDO:0007947, OMIM 154700.
Familial thoracic aortic aneurysm and aortic dissection (TAAD). Also called: Thoracic aortic aneurysms and dissections. Identifiers: Orphanet 91387, MedGen C4707243, MONDO:0019625.

Allele frequency attached by ClinVar (database versions not stated): gnomAD exomes below 0.00001.
gnomAD v4.1: 1 of 1,613,874 alleles (0.000062%); highest among the groups gnomAD compares: African/African-American, 0.0013%; no homozygotes.

Submissions (2):

Labcorp Genetics (formerly Invitae), Labcorp
Classification: Uncertain significance for Marfan syndrome; Familial thoracic aortic aneurysm and aortic dissection. Last evaluated: 2025-06-12. Review status: criteria provided, single submitter. Criteria: Invitae Variant Classification Sherloc (09022015). Collection method: clinical testing. Allele origin: germline.
Comment: This sequence change replaces lysine, which is basic and polar, with arginine, which is basic and polar, at codon 1317 of the FBN1 protein (p.Lys1317Arg). This variant is not present in population databases (gnomAD no frequency). This variant has not been reported in the literature in individuals affected with FBN1-related conditions. ClinVar contains an entry for this variant (Variation ID: 3069750). Invitae Evidence Modeling of protein sequence and biophysical properties (such as structural, functional, and spatial information, amino acid conservation, physicochemical variation, residue mobility, and thermodynamic stability) indicates that this missense variant is not expected to disrupt FBN1 protein function with a negative predictive value of 95%. In summary, the available evidence is currently insufficient to determine the role of this variant in disease. Therefore, it has been classified as a Variant of Uncertain Significance.

All of Us Research Program, National Institutes of Health
Classification: Uncertain significance for Marfan syndrome. Last evaluated: 2023-03-07. Review status: criteria provided, single submitter. Criteria: ACMG Guidelines, 2015. Collection method: clinical testing. Allele origin: germline. Inheritance: Autosomal dominant inheritance. Observed: 1 variant allele, 1 heterozygote.
Comment: This missense variant replaces lysine with arginine at codon 1317 of the FBN1 protein. Computational prediction suggests that this variant may not impact protein structure and function (internally defined REVEL score threshold <= 0.5, PMID: 27666373). To our knowledge, functional studies have not been reported for this variant. This variant has not been reported in individuals affected with FBN1-related disorders in the literature. This variant has not been identified in the general population by the Genome Aggregation Database (gnomAD). The available evidence is insufficient to determine the role of this variant in disease conclusively. Therefore, this variant is classified as a Variant of Uncertain Significance.

This study involves interpretation of variants in research participants for the purpose of population health screening. Participant phenotype was not available at the time of variant classification. Additional details can be found in publication PMID: 35346344, PMCID: PMC8962531

NM_000138.5(FBN1):c.3950A>G (p.Lys1317Arg)

Gene: FBN1 (fibrillin 1; minus strand). Cytogenetic location: 15q21.1.
Variant type: single nucleotide variant.
Coding change: c.3950A>G on transcript NM_000138.5 (MANE Select); coding-DNA position 3950, A replaced by G.
Protein change: p.Lys1317Arg; replaces lysine 1317 with arginine.
Molecular consequence: missense variant.
Genome position (GRCh38, 1-based): chr15:48,481,669, T>C on the plus strand (A>G on the coding strand, the complement: FBN1 is on the minus strand). VCF-style: chr15-48481669-T-C. GRCh37 (hg19) VCF-style: chr15-48773866-T-C.
Other names: c.3950A>G, p.Lys1317Arg (NM_001406716.1); short protein forms K1317R.
Identifiers: ClinVar variation 3069750 (VCV003069750.3), dbSNP rs2505533266, ClinGen allele CA392322216.
Genomic context (GRCh38, chr15:48,481,669, plus strand): 5'-TCTCTTAACTACTTAATATTTTATTGTTCTACTTGAACAAACACACCTGTACAGCCAGTT[T>C]TTCCTTTTTTGCCGGAGTAGCCCATATCACAGTGGCAGATAAATGAGCCTTTCGTGTTTT-3'
Protein context (NP_000129.3, residues 1307-1327): CDMGYSGKKG[Lys1317Arg]TGCTDINECE